The following is an entry in ClinVar:

NM_018297.4(NGLY1):c.1756C>G (p.Arg586Gly)

Gene: NGLY1 (N-glycanase 1; minus strand). Cytogenetic location: 3p24.2.
Variant type: single nucleotide variant.
Coding change: c.1756C>G on transcript NM_018297.4 (MANE Select); coding-DNA position 1756, C replaced by G.
Protein change: p.Arg586Gly; replaces arginine 586 with glycine.
Molecular consequence: missense variant. On other transcripts: intron variant (1).
Genome position (GRCh38, 1-based): chr3:25,720,047, G>C on the plus strand (C>G on the coding strand, the complement: NGLY1 is on the minus strand). VCF-style: chr3-25720047-G-C. GRCh37 (hg19) VCF-style: chr3-25761538-G-C.
Other names: c.1702C>G, p.Arg568Gly (NM_001145293.2); c.1630C>G, p.Arg544Gly (NM_001145294.2); c.1612-412C>G (NM_001145295.2); short protein forms R544G, R586G, R568G.
Identifiers: ClinVar variation 1356888 (VCV001356888.8), dbSNP rs1383370693, ClinGen allele CA351893925.

ClinVar aggregate classification (germline): Uncertain significance (1 of 4 stars; one submission).

Conditions:
Congenital disorder of deglycosylation (CDDG). Identifiers: MedGen C3808991, MONDO:0031376.

Submission:

Labcorp Genetics (formerly Invitae), Labcorp
Classification: Uncertain significance for Congenital disorder of deglycosylation. Last evaluated: 2022-07-05. Review status: criteria provided, single submitter. Criteria: Invitae Variant Classification Sherloc (09022015). Collection method: clinical testing. Allele origin: germline.
Comment: This variant has not been reported in the literature in individuals affected with NGLY1-related conditions. In summary, the available evidence is currently insufficient to determine the role of this variant in disease. Therefore, it has been classified as a Variant of Uncertain Significance. Algorithms developed to predict the effect of missense changes on protein structure and function (SIFT, PolyPhen-2, Align-GVGD) all suggest that this variant is likely to be tolerated. ClinVar contains an entry for this variant (Variation ID: 1356888). This variant is not present in population databases (gnomAD no frequency). This sequence change replaces arginine, which is basic and polar, with glycine, which is neutral and non-polar, at codon 586 of the NGLY1 protein (p.Arg586Gly).